The following is an entry in ClinVar:

NM_000492.4(CFTR):c.537A>G (p.Gln179=)

Gene: CFTR (CF transmembrane conductance regulator; plus strand). Cytogenetic location: 7q31.2.
Variant type: single nucleotide variant.
Coding change: c.537A>G on transcript NM_000492.4 (MANE Select); coding-DNA position 537, A replaced by G.
Protein change: p.Gln179=; no amino-acid change (glutamine 179 retained).
Molecular consequence: synonymous variant.
Genome position (GRCh38, 1-based): chr7:117,534,323, A>G. VCF-style: chr7-117534323-A-G. GRCh37 (hg19) VCF-style: chr7-117174377-A-G.
Other names: p.Gln179=.
Identifiers: ClinVar variation 1144281 (VCV001144281.14), dbSNP rs991635265, ClinGen allele CA164944916.

ClinVar aggregate classification (germline): Likely benign. Review status: criteria provided, multiple submitters, no conflicts (2 of 4 stars). 4 submissions from 4 submitters: Likely benign (3). 1 of the submissions does not count toward it. Last evaluated 2025-08-03.

Conditions:
CFTR-related disorder (CFTR-RD). Also called: CFTR-related condition; CFTR-related disorders. Identifiers: MedGen C5924204, MONDO:7770004.
Cystic fibrosis (CF). Also called: MUCOVISCIDOSIS. Identifiers: Orphanet 586, MedGen C0010674, MONDO:0009061, OMIM 219700. Disease mechanism: loss of function.

Allele frequency attached by ClinVar (database versions not stated): gnomAD exomes below 0.00001; gnomAD 0.00001; TOPMed 0.00001.
gnomAD v4.1: 7 of 1,606,272 alleles (0.00044%); highest among the groups gnomAD compares: African/African-American, 0.0094%; no homozygotes.

Submissions (4):

Labcorp Genetics (formerly Invitae), Labcorp
Classification: Likely benign for Cystic fibrosis. Last evaluated: 2025-08-03. Review status: criteria provided, single submitter. Criteria: Invitae Variant Classification Sherloc (09022015). Collection method: clinical testing. Allele origin: germline.

Mayo Clinic Laboratories, Mayo Clinic
Classification: Likely benign. Last evaluated: 2025-07-08. Review status: criteria provided, single submitter. Criteria: ACMG Guidelines, 2015. Collection method: clinical testing. Allele origin: germline. Observed: 1 variant allele.
Comment: BP4, BP7

Ambry Genetics
Classification: Likely benign for Cystic fibrosis. Last evaluated: 2022-03-02. Review status: criteria provided, single submitter. Criteria: Ambry Variant Classification Scheme 2023. Collection method: clinical testing. Allele origin: germline.

PreventionGenetics, part of Exact Sciences
Classification: Likely benign for CFTR-related condition. Last evaluated: 2019-03-18. Review status: no assertion criteria provided. Collection method: clinical testing. Allele origin: germline. Not counted in ClinVar's aggregate classification.
Comment: This variant is classified as likely benign based on ACMG/AMP sequence variant interpretation guidelines (Richards et al. 2015 PMID: 25741868, with internal and published modifications).